The following is an entry in ClinVar:

NM_000388.4(CASR):c.1367A>G (p.Glu456Gly)

Gene: CASR (calcium sensing receptor; plus strand). Cytogenetic location: 3q21.1.
Variant type: single nucleotide variant.
Coding change: c.1367A>G on transcript NM_000388.4 (MANE Select); coding-DNA position 1367, A replaced by G.
Protein change: p.Glu456Gly; replaces glutamic acid 456 with glycine.
Molecular consequence: missense variant.
Genome position (GRCh38, 1-based): chr3:122,262,402, A>G. VCF-style: chr3-122262402-A-G. GRCh37 (hg19) VCF-style: chr3-121981249-A-G.
Other names: c.1367A>G, p.Glu456Gly (NM_001178065.2); short protein forms E456G.
Identifiers: ClinVar variation 1328991 (VCV001328991.3), dbSNP rs2074639185, ClinGen allele CA354153378.
Genomic context (GRCh38, chr3:122,262,402, plus strand): 5'-CCTGCTTACCTGGGAGAGGGCTCTTCACCAATGGCTCCTGTGCAGACATCAAGAAAGTTG[A>G]GGCGTGGCAGGTGCGTCCTTCACTTATATAGCAATTTGCTGTATAATAAAGCAGAGTTGG-3'
Protein context (NP_000379.3, residues 446-466): NGSCADIKKV[Glu456Gly]AWQVLKHLRH

ClinVar aggregate classification (germline): Uncertain significance. Review status: criteria provided, multiple submitters, no conflicts (2 of 4 stars). 2 submissions from 2 submitters: Uncertain significance (2). Last evaluated 2022-05-26.

Conditions:
Nephrolithiasis/nephrocalcinosis. Identifiers: MedGen CN580796.

Allele frequency attached by ClinVar (database versions not stated): gnomAD 0.00001.
gnomAD v4.1: 1 of 1,612,266 alleles (0.000062%); highest among the groups gnomAD compares: African/African-American, 0.0013%; no homozygotes.

Submissions (2):

Ambry Genetics
Classification: Uncertain significance for Nephrolithiasis/nephrocalcinosis. Last evaluated: 2022-05-26. Review status: criteria provided, single submitter. Criteria: Ambry Variant Classification Scheme 2023. Collection method: clinical testing. Allele origin: germline.
Comment: The p.E456G variant (also known as c.1367A>G), located in coding exon 3 of the CASR gene, results from an A to G substitution at nucleotide position 1367. The glutamic acid at codon 456 is replaced by glycine, an amino acid with similar properties. This amino acid position is conserved. In addition, this alteration is predicted to be deleterious by in silico analysis. Since supporting evidence is limited at this time, the clinical significance of this alteration remains unclear.

Women's Health and Genetics/Laboratory Corporation of America, LabCorp
Classification: Uncertain significance. Last evaluated: 2021-11-23. Review status: criteria provided, single submitter. Criteria: LabCorp Variant Classification Summary - May 2015. Collection method: clinical testing. Allele origin: germline.
Comment: Variant summary: CASR c.1367A>G (p.Glu456Gly) results in a non-conservative amino acid change located in the Receptor, ligand binding region domain (IPR001828) of the encoded protein sequence. This variant is also known as c.1370A>G (p.Glu457Gly). Five of five in-silico tools predict a damaging effect of the variant on protein function. The variant was absent in 247140 control chromosomes (gnomAD). The available data on variant occurrences in the general population are insufficient to allow any conclusion about variant significance. To our knowledge, no occurrence of c.1367A>G in individuals affected with Familial Hypocalciuric Hypercalcemia and no experimental evidence demonstrating its impact on protein function have been reported. No clinical diagnostic laboratories have submitted clinical-significance assessments for this variant to ClinVar after 2014. Based on the evidence outlined above, the variant was classified as uncertain significance.